The following is an entry in ClinVar:

NM_004369.4(COL6A3):c.161A>G (p.His54Arg)

Gene: COL6A3 (collagen type VI alpha 3 chain; minus strand). Cytogenetic location: 2q37.3.
Variant type: single nucleotide variant.
Coding change: c.161A>G on transcript NM_004369.4 (MANE Select); coding-DNA position 161, A replaced by G.
Protein change: p.His54Arg; replaces histidine 54 with arginine.
Molecular consequence: missense variant. On other transcripts: intron variant (4).
Genome position (GRCh38, 1-based): chr2:237,395,135, T>C on the plus strand (A>G on the coding strand, the complement: COL6A3 is on the minus strand). VCF-style: chr2-237395135-T-C. GRCh37 (hg19) VCF-style: chr2-238303778-T-C.
Other names: c.91+1592A>G (NM_057166.5, NM_057167.4, NM_057164.5 and 1 more transcripts); short protein forms H54R.
Identifiers: ClinVar variation 1924401 (VCV001924401.9), dbSNP rs938595503, ClinGen allele CA67842498.

ClinVar aggregate classification (germline): Conflicting classifications of pathogenicity. Review status: criteria provided, conflicting classifications (1 of 4 stars). 2 submissions from 2 submitters: Uncertain significance (1); Likely benign (1). Last evaluated 2026-05-01.

Conditions:
Bethlem myopathy 1A. Also called: MYOPATHY, BENIGN CONGENITAL, WITH CONTRACTURES; Bethlem myopathy 1; Bethlem Muscular Dystrophy. Identifiers: Orphanet 610, MedGen CN029274, MONDO:0024530, OMIM 158810.

Allele frequency attached by ClinVar (database versions not stated): gnomAD exomes below 0.00001.
gnomAD v4.1: 1 of 1,613,938 alleles (0.000062%); highest among the groups gnomAD compares: South Asian, 0.0011%; no homozygotes.

Submissions (2):

CeGaT Center for Human Genetics Tuebingen
Classification: Likely benign. Last evaluated: 2026-05-01. Review status: criteria provided, single submitter. Criteria: CeGaT Center For Human Genetics Tuebingen Variant Classification Criteria Version 2. Collection method: clinical testing. Allele origin: germline. Affected: yes. Observed: 2 variant alleles.
Comment: COL6A3: BP4

Labcorp Genetics (formerly Invitae), Labcorp
Classification: Uncertain significance for Bethlem myopathy 1A. Last evaluated: 2024-05-23. Review status: criteria provided, single submitter. Criteria: Invitae Variant Classification Sherloc (09022015). Collection method: clinical testing. Allele origin: germline.
Comment: This sequence change replaces histidine, which is basic and polar, with arginine, which is basic and polar, at codon 54 of the COL6A3 protein (p.His54Arg). This variant is not present in population databases (gnomAD no frequency). This variant has not been reported in the literature in individuals affected with COL6A3-related conditions. ClinVar contains an entry for this variant (Variation ID: 1924401). Advanced modeling of protein sequence and biophysical properties (such as structural, functional, and spatial information, amino acid conservation, physicochemical variation, residue mobility, and thermodynamic stability) performed at Invitae indicates that this missense variant is not expected to disrupt COL6A3 protein function with a negative predictive value of 95%. In summary, the available evidence is currently insufficient to determine the role of this variant in disease. Therefore, it has been classified as a Variant of Uncertain Significance.